The following is an entry in ClinVar:

ClinVar aggregate classification (germline): Likely benign. Review status: criteria provided, multiple submitters, no conflicts (2 of 4 stars). 3 submissions from 3 submitters: Likely benign (3). Last evaluated 2025-09-26.

Conditions:
Short-rib thoracic dysplasia 10 with or without polydactyly (SRTD10). Identifiers: Orphanet 474, MedGen C3810175, MONDO:0014284, OMIM 615630.
Retinitis pigmentosa 71 (RP71). Identifiers: Orphanet 791, MedGen C4225342, MONDO:0014618, OMIM 616394.
Bardet-Biedl syndrome 20. Identifiers: MedGen C4310707, MONDO:0023670, OMIM 619471, MONDO:0014926.
IFT172-related disorder. Also called: IFT172-related disorders; IFT172-related condition.

Allele frequency attached by ClinVar (database versions not stated): gnomAD exomes below 0.00001.
gnomAD v4.1: 5 of 1,610,582 alleles (0.00031%); highest among the groups gnomAD compares: Non-Finnish European, 0.00034%; no homozygotes.

Submissions (3):

PreventionGenetics, part of Exact Sciences
Classification: Likely benign for IFT172-related condition. Last evaluated: 2025-09-26. Review status: criteria provided, single submitter. Criteria: ACMG Guidelines, 2015. Collection method: clinical testing. Allele origin: germline.
Comment: This variant is classified as likely benign based on ACMG/AMP sequence variant interpretation guidelines (Richards et al. 2015 PMID: 25741868, with internal and published modifications).

Labcorp Genetics (formerly Invitae), Labcorp
Classification: Likely benign for Retinitis pigmentosa 71; Short-rib thoracic dysplasia 10 with or without polydactyly. Last evaluated: 2025-03-27. Review status: criteria provided, single submitter. Criteria: Invitae Variant Classification Sherloc (09022015). Collection method: clinical testing. Allele origin: germline.

Fulgent Genetics
Classification: Likely benign for Short-rib thoracic dysplasia 10 with or without polydactyly; Retinitis pigmentosa 71; Bardet-Biedl syndrome 20. Last evaluated: 2021-08-09. Review status: criteria provided, single submitter. Criteria: ACMG Guidelines, 2015. Collection method: clinical testing. Allele origin: unknown.

NM_015662.3(IFT172):c.4387T>C (p.Leu1463=)

Gene: IFT172 (intraflagellar transport 172; minus strand). Cytogenetic location: 2p23.3.
Variant type: single nucleotide variant.
Coding change: c.4387T>C on transcript NM_015662.3 (MANE Select); coding-DNA position 4387, T replaced by C.
Protein change: p.Leu1463=; no amino-acid change (leucine 1463 retained).
Molecular consequence: synonymous variant.
Genome position (GRCh38, 1-based): chr2:27,448,956, A>G on the plus strand (T>C on the coding strand, the complement: IFT172 is on the minus strand). VCF-style: chr2-27448956-A-G. GRCh37 (hg19) VCF-style: chr2-27671823-A-G.
Other names: c.4387T>C (NM_015662.2).
Identifiers: ClinVar variation 1598106 (VCV001598106.10), dbSNP rs1455837031, ClinGen allele CA425414822.